The following is an entry in ClinVar:

NM_004380.3(CREBBP):c.7069C>G (p.Gln2357Glu)

Gene: CREBBP (CREB binding protein; minus strand). Cytogenetic location: 16p13.3.
Variant type: single nucleotide variant.
Coding change: c.7069C>G on transcript NM_004380.3 (MANE Select); coding-DNA position 7069, C replaced by G.
Protein change: p.Gln2357Glu; replaces glutamine 2357 with glutamic acid.
Molecular consequence: missense variant.
Genome position (GRCh38, 1-based): chr16:3,727,978, G>C on the plus strand (C>G on the coding strand, the complement: CREBBP is on the minus strand). VCF-style: chr16-3727978-G-C. GRCh37 (hg19) VCF-style: chr16-3777979-G-C.
Other names: c.6955C>G, p.Gln2319Glu (NM_001079846.1); short protein forms Q2357E, Q2319E.
Identifiers: ClinVar variation 3393848 (VCV003393848.1).

ClinVar aggregate classification (germline): Uncertain significance (1 of 4 stars; one submission).

Submission:

GeneDx
Classification: Uncertain significance. Last evaluated: 2024-07-02. Review status: criteria provided, single submitter. Criteria: GeneDx Variant Classification Process June 2021. Collection method: clinical testing. Allele origin: germline. Affected: yes.
Comment: Not observed at significant frequency in large population cohorts (gnomAD); In silico analysis indicates that this missense variant does not alter protein structure/function; Has not been previously published as pathogenic or benign to our knowledge